The following is an entry in ClinVar:

ClinVar aggregate classification (germline): Pathogenic (1 of 4 stars; one submission).

Submission:

ISCA site 4
Classification: Pathogenic. Last evaluated: 2011-08-12. Review status: criteria provided, single submitter. Criteria: Kaminsky et al. (Genet Med. 2011). Collection method: clinical testing. Allele origin: unknown. Affected: yes. Observed: 1 variant allele.
Comment: Copy number variation identified through the course of routine clinical cytogenomic testing in postnatal populations. Clinical assertions have been curated as described in Kaminsky et al. 2011.

GRCh38/hg38 8q13.2-13.3(chr8:68488015-71476177)x1

Genes: C8orf34 (chromosome 8 open reading frame 34; plus strand), EYA1 (EYA transcriptional coactivator and phosphatase 1; minus strand), LACTB2 (lactamase beta 2; minus strand), LACTB2-AS1 (LACTB2 antisense RNA 1; plus strand), LINC01592 (long independently transcribed non-coding RNA 1592; minus strand) and 51 more. Cytogenetic location: 8q13.2-13.3.
Variant type: copy number loss.
Change: copy number 1 (one copy instead of two) of chr8:68,488,015-71,476,177 (2.99 Mb, GRCh38 coordinates, 1-based), cytogenetic band 8q13.2-13.3.
Identifiers: ClinVar variation 57153 (VCV000057153.1).